The following is an entry in ClinVar:

ClinVar aggregate classification (germline): Uncertain significance. Review status: criteria provided, multiple submitters, no conflicts (2 of 4 stars). 2 submissions from 2 submitters: Uncertain significance (2). Last evaluated 2025-09-01.

Conditions:
Idiopathic basal ganglia calcification 1 (PFBC1A). Also called: Fahr's syndrome; Cerebral calcification nonarteriosclerotic idiopathic adult-onset; Striopallidodentate calcinosis autosomal dominant adult-onset; Ferrocalcinosis, cerebrovascular; Fahr disease, familial (formerly); Familial Idiopathic Basal Ganglia Calcification 3. Identifiers: Orphanet 1980, MedGen C4551624, MONDO:0024538, OMIM 213600.
Inborn genetic diseases. Identifiers: MedGen C0950123, MeSH D030342.

gnomAD v4.1: 13 of 1,614,008 alleles (0.00081%); highest among the groups gnomAD compares: African/African-American, 0.004%; no homozygotes.

Submissions (2):

Ambry Genetics
Classification: Uncertain significance for Inborn genetic diseases. Last evaluated: 2025-09-01. Review status: criteria provided, single submitter. Criteria: Ambry Variant Classification Scheme 2023. Collection method: clinical testing. Allele origin: germline.

Neuberg Centre For Genomic Medicine, NCGM
Classification: Uncertain significance for Idiopathic basal ganglia calcification 1. Last evaluated: 2023-06-22. Review status: criteria provided, single submitter. Criteria: ACMG Guidelines, 2015. Collection method: clinical testing. Allele origin: germline. Inheritance: Autosomal dominant inheritance. Affected: yes.
Comment: The observed missense variant c.1912G>A(p.Ala638Thr) in SLC20A2 gene has not been reported previously as a pathogenic variant nor as a benign variant, to our knowledge. This variant is reported with 0.002% allele frequency in gnomAD Exomes. The amino acid Ala at position 638 is changed to a Thr changing protein sequence and it might alter its composition and physico-chemical properties. Multiple lines of computational evidence (Polyphen-Probably damaging, SIFT-damaging and MutationTaster-disease causing) predict a damaging effect on protein structure and function for this variant. The reference amino acid p.Ala638Thr in SLC20A2 is predicted as conserved by GERP++ and PhyloP across 100 vertebrates. For these reasons, this variant has been classified as Uncertain Significance.

NM_001257180.2(SLC20A2):c.1912G>A (p.Ala638Thr)

Gene: SLC20A2 (solute carrier family 20 member 2; minus strand). Cytogenetic location: 8p11.21.
Variant type: single nucleotide variant.
Coding change: c.1912G>A on transcript NM_001257180.2 (MANE Select); coding-DNA position 1912, G replaced by A.
Protein change: p.Ala638Thr; replaces alanine 638 with threonine.
Molecular consequence: missense variant.
Genome position (GRCh38, 1-based): chr8:42,417,850, C>T on the plus strand (G>A on the coding strand, the complement: SLC20A2 is on the minus strand). VCF-style: chr8-42417850-C-T. GRCh37 (hg19) VCF-style: chr8-42275368-C-T.
Other names: c.1912G>A, p.Ala638Thr (NM_001257181.2, NM_006749.5); c.1912G>A (NM_006749.3); short protein forms A638T.
Identifiers: ClinVar variation 3731390 (VCV003731390.2).
Genomic context (GRCh38, chr8:42,417,850, plus strand): 5'-GGAAGAAGACAAATCACACATATGGAAGGATCCCATACATGAGAAGAGCCATGACAGCAG[C>T]GCTGAACAGCCCAGCCACAGGGACGGTCACGAACCAGGCCACGAAGATGTTCCGAAAGAG-3'
Protein context (NP_001244109.1, residues 628-648): VTVPVAGLFS[Ala638Thr]AVMALLMYGI